The following is an entry in ClinVar:

ClinVar aggregate classification (germline): Uncertain significance (1 of 4 stars; one submission).

Conditions:
Early-infantile DEE. Also called: Ohtahara syndrome; Early infantile epileptic encephalopathy with suppression bursts; Early infantile epileptic encephalopathy. Identifiers: Orphanet 1934, MedGen C0393706, MONDO:0800491.

gnomAD v4.1: 1 of 1,613,920 alleles (0.000062%); highest among the groups gnomAD compares: Non-Finnish European, 0.000085%; no homozygotes.

Submission:

Labcorp Genetics (formerly Invitae), Labcorp
Classification: Uncertain significance for Early-infantile DEE. Last evaluated: 2024-11-12. Review status: criteria provided, single submitter. Criteria: Invitae Variant Classification Sherloc (09022015). Collection method: clinical testing. Allele origin: germline.
Comment: This sequence change replaces methionine, which is neutral and non-polar, with isoleucine, which is neutral and non-polar, at codon 714 of the SCN1A protein (p.Met714Ile). This variant is not present in population databases (gnomAD no frequency). This missense change has been observed in individual(s) with clinical features of SCN1A-related conditions (internal data). Invitae Evidence Modeling of protein sequence and biophysical properties (such as structural, functional, and spatial information, amino acid conservation, physicochemical variation, residue mobility, and thermodynamic stability) indicates that this missense variant is not expected to disrupt SCN1A protein function with a negative predictive value of 95%. In summary, the available evidence is currently insufficient to determine the role of this variant in disease. Therefore, it has been classified as a Variant of Uncertain Significance.

NM_001165963.4(SCN1A):c.2142G>A (p.Met714Ile)

Gene: SCN1A (sodium voltage-gated channel alpha subunit 1; minus strand). Cytogenetic location: 2q24.3.
Variant type: single nucleotide variant.
Coding change: c.2142G>A on transcript NM_001165963.4 (MANE Select); coding-DNA position 2142, G replaced by A.
Protein change: p.Met714Ile; replaces methionine 714 with isoleucine.
Molecular consequence: missense variant. On other transcripts: 5 prime UTR variant (1), non-coding transcript variant (1).
Genome position (GRCh38, 1-based): chr2:166,042,326, C>T on the plus strand (G>A on the coding strand, the complement: SCN1A is on the minus strand). VCF-style: chr2-166042326-C-T. GRCh37 (hg19) VCF-style: chr2-166898836-C-T.
Other names: c.2058G>A, p.Met686Ile (NM_001165964.3, NM_001353957.2, NM_001353958.2); c.2142G>A, p.Met714Ile (NM_001202435.3, NM_001353948.2); c.2109G>A, p.Met703Ile (NM_001353949.2, NM_001353950.2, NM_001353951.2 and 2 more transcripts); c.2106G>A, p.Met702Ile (NM_001353954.2, NM_001353955.2); c.2055G>A, p.Met685Ile (NM_001353960.2); c.-317G>A (NM_001353961.2); short protein forms M702I, M714I, M685I, M703I, M686I.
Identifiers: ClinVar variation 3676394 (VCV003676394.2).